The following is an entry in ClinVar:

ClinVar aggregate classification (germline): Uncertain significance. Review status: criteria provided, multiple submitters, no conflicts (2 of 4 stars). 3 submissions from 3 submitters: Uncertain significance (3). Last evaluated 2024-10-29.

Conditions:
DICER1-related tumor predisposition. Also called: DICER1-related pleuropulmonary blastoma cancer predisposition syndrome; DICER1 syndrome. Identifiers: Orphanet 284343, MedGen C3839822, MONDO:0100216.
Hereditary cancer-predisposing syndrome. Also called: Tumor predisposition; Hereditary Cancer Syndrome; Neoplastic Syndromes, Hereditary; Hereditary neoplastic syndrome. Identifiers: Orphanet 140162, MedGen C0027672, MeSH D009386, MONDO:0015356.

Submissions (3):

Ambry Genetics
Classification: Uncertain significance for Hereditary cancer-predisposing syndrome. Last evaluated: 2024-10-29. Review status: criteria provided, single submitter. Criteria: Ambry Variant Classification Scheme 2023. Collection method: clinical testing. Allele origin: germline.
Comment: The p.K1399E variant (also known as c.4195A>G), located in coding exon 21 of the DICER1 gene, results from an A to G substitution at nucleotide position 4195. The lysine at codon 1399 is replaced by glutamic acid, an amino acid with similar properties. This amino acid position is well conserved in available vertebrate species. In addition, the in silico prediction for this alteration is inconclusive. Based on the available evidence, the clinical significance of this variant remains unclear.

GeneDx
Classification: Uncertain significance. Last evaluated: 2024-01-18. Review status: criteria provided, single submitter. Criteria: GeneDx Variant Classification Process June 2021. Collection method: clinical testing. Allele origin: germline. Affected: yes.
Comment: Not observed at significant frequency in large population cohorts (gnomAD); In silico analysis supports that this missense variant does not alter protein structure/function; Has not been previously published as pathogenic or benign to our knowledge

Labcorp Genetics (formerly Invitae), Labcorp
Classification: Uncertain significance for DICER1-related tumor predisposition. Last evaluated: 2023-11-14. Review status: criteria provided, single submitter. Criteria: Invitae Variant Classification Sherloc (09022015). Collection method: clinical testing. Allele origin: germline.
Comment: This sequence change replaces lysine, which is basic and polar, with glutamic acid, which is acidic and polar, at codon 1399 of the DICER1 protein (p.Lys1399Glu). This variant is not present in population databases (gnomAD no frequency). This variant has not been reported in the literature in individuals affected with DICER1-related conditions. ClinVar contains an entry for this variant (Variation ID: 1009401). Advanced modeling of protein sequence and biophysical properties (such as structural, functional, and spatial information, amino acid conservation, physicochemical variation, residue mobility, and thermodynamic stability) performed at Invitae indicates that this missense variant is not expected to disrupt DICER1 protein function with a negative predictive value of 80%. In summary, the available evidence is currently insufficient to determine the role of this variant in disease. Therefore, it has been classified as a Variant of Uncertain Significance.

NM_177438.3(DICER1):c.4195A>G (p.Lys1399Glu)

Gene: DICER1 (dicer 1, ribonuclease III; minus strand). Cytogenetic location: 14q32.13.
Variant type: single nucleotide variant.
Coding change: c.4195A>G on transcript NM_177438.3 (MANE Select); coding-DNA position 4195, A replaced by G.
Protein change: p.Lys1399Glu; replaces lysine 1399 with glutamic acid.
Molecular consequence: missense variant.
Genome position (GRCh38, 1-based): chr14:95,099,791, T>C on the plus strand (A>G on the coding strand, the complement: DICER1 is on the minus strand). VCF-style: chr14-95099791-T-C. GRCh37 (hg19) VCF-style: chr14-95566128-T-C.
Other names: c.4195A>G, p.Lys1399Glu (NM_001195573.1, NM_001271282.3, NM_001291628.2 and 1 more transcripts); c.4195A>G (NM_177438.2); short protein forms K1399E.
Identifiers: ClinVar variation 1009401 (VCV001009401.10), dbSNP rs1890711693, ClinGen allele CA390871730.